The following is an entry in ClinVar:

ClinVar aggregate classification (germline): Uncertain significance. Review status: criteria provided, multiple submitters, no conflicts (2 of 4 stars). 2 submissions from 2 submitters: Uncertain significance (2). Last evaluated 2024-09-08.

Conditions:
Glycogen storage disease due to muscle and heart glycogen synthase deficiency. Also called: GSD 0b; MUSCLE GLYCOGEN SYNTHASE DEFICIENCY. Identifiers: Orphanet 137625, MedGen C1969054, MONDO:0012693, OMIM 611556.
Inborn genetic diseases. Identifiers: MedGen C0950123, MeSH D030342.

Allele frequency attached by ClinVar (database versions not stated): gnomAD exomes 0.00001; gnomAD 0.00002 and 0.00003; TOPMed 0.00004.
gnomAD v4.1: 9 of 1,613,894 alleles (0.00056%); highest among the groups gnomAD compares: Admixed American, 0.0067%; no homozygotes.

Submissions (2):

Ambry Genetics
Classification: Uncertain significance for Inborn genetic diseases. Last evaluated: 2024-09-08. Review status: criteria provided, single submitter. Criteria: Ambry Variant Classification Scheme 2023. Collection method: clinical testing. Allele origin: germline.

Labcorp Genetics (formerly Invitae), Labcorp
Classification: Uncertain significance for Glycogen storage disease due to muscle and heart glycogen synthase deficiency. Last evaluated: 2022-08-05. Review status: criteria provided, single submitter. Criteria: Invitae Variant Classification Sherloc (09022015). Collection method: clinical testing. Allele origin: germline.
Comment: This sequence change replaces alanine, which is neutral and non-polar, with glutamic acid, which is acidic and polar, at codon 167 of the GYS1 protein (p.Ala167Glu). This variant is present in population databases (no rsID available, gnomAD 0.0009%). This variant has not been reported in the literature in individuals affected with GYS1-related conditions. ClinVar contains an entry for this variant (Variation ID: 652496). Algorithms developed to predict the effect of missense changes on protein structure and function are either unavailable or do not agree on the potential impact of this missense change (SIFT: "Tolerated"; PolyPhen-2: "Possibly Damaging"; Align-GVGD: "Class C0"). In summary, the available evidence is currently insufficient to determine the role of this variant in disease. Therefore, it has been classified as a Variant of Uncertain Significance.

NM_002103.5(GYS1):c.500C>A (p.Ala167Glu)

Gene: GYS1 (glycogen synthase 1; minus strand). Cytogenetic location: 19q13.33.
Variant type: single nucleotide variant.
Coding change: c.500C>A on transcript NM_002103.5 (MANE Select); coding-DNA position 500, C replaced by A.
Protein change: p.Ala167Glu; replaces alanine 167 with glutamic acid.
Molecular consequence: missense variant. On other transcripts: non-coding transcript variant (1).
Genome position (GRCh38, 1-based): chr19:48,986,028, G>T on the plus strand (C>A on the coding strand, the complement: GYS1 is on the minus strand). VCF-style: chr19-48986028-G-T. GRCh37 (hg19) VCF-style: chr19-49489285-G-T.
Other names: c.308C>A, p.Ala103Glu (NM_001161587.2); short protein forms A103E, A167E.
Identifiers: ClinVar variation 652496 (VCV000652496.6), dbSNP rs1199465827, ClinGen allele CA406765578.
Genomic context (GRCh38, chr19:48,986,028, plus strand): 5'-CCAACGCCTGCCAACCACTCATGGAAGTGAGCAACCACATGTGGCTTCTCCTCACTCTGT[G>T]CCAGGAACTGTGGGCAACAGGGACAGGGCCACTGTCTCCACGAGTGTTGGGAAAAGAATC-3'
Protein context (NP_002094.2, residues 157-177): LTTWFLGEFL[Ala167Glu]QSEEKPHVVA